The following is an entry in ClinVar:

ClinVar aggregate classification (germline): Uncertain significance. Review status: criteria provided, multiple submitters, no conflicts (2 of 4 stars). 3 submissions from 3 submitters: Uncertain significance (2). 1 of the submissions does not count toward it. Last evaluated 2025-09-28.

Conditions:
Inborn genetic diseases. Identifiers: MedGen C0950123, MeSH D030342.
Late-infantile neuronal ceroid lipofuscinosis. Also called: Jansky-Bielschowsky disease. Identifiers: MedGen C0022340, MONDO:0015674.

Allele frequency attached by ClinVar (database versions not stated): gnomAD 0.00001; TOPMed 0.00001.
gnomAD v4.1: 1 of 1,613,970 alleles (0.000062%); highest among the groups gnomAD compares: Non-Finnish European, 0.000085%; no homozygotes.

Submissions (3):

Ambry Genetics
Classification: Uncertain significance for Inborn genetic diseases. Last evaluated: 2025-09-28. Review status: criteria provided, single submitter. Criteria: Ambry Variant Classification Scheme 2023. Collection method: clinical testing. Allele origin: germline.

GeneDx
Classification: Uncertain significance. Last evaluated: 2012-12-11. Review status: criteria provided, single submitter. Criteria: GeneDx Variant Classification (06012015). Collection method: clinical testing. Allele origin: germline. Affected: yes.
Comment: p.Trp348Ser (TGG>TCG): c.1043 G>C in exon 11 of the MFSD8 gene (NM_152778.2)The Trp348Ser missense change has not been published as a mutation, nor has it been reported as a benign polymorphism to our knowledge. The NHLBI ESP Exome Variant Project has not identified Trp348Ser in approximately 6,500 individuals of European or African American ethnicity, indicating that it is not a common benign variant in these populations. This amino acid substitution is non-conservative, as a non-polar Tryptophan residue is replaced by a polar Serine residue. However, it alters a position in the ninth transmembrane domain of the protein that is not well conserved, and other missense mutations have not been reported in this region to our knowledge. One in silico algorithm predicts Trp348Ser may be damaging to protein structure/function while another model suggests it may be benign. Therefore, based on the currently available information, it is unclear whether Trp348Ser is a disease-causing mutation or a rare benign variant. The variant is found in PM-EPI panel(s).

Natera, Inc.
Classification: Uncertain significance for Late-infantile neuronal ceroid lipofuscinosis. Last evaluated: 2020-09-16. Review status: no assertion criteria provided. Collection method: clinical testing. Allele origin: germline. Not counted in ClinVar's aggregate classification.

NM_001371596.2(MFSD8):c.1043G>C (p.Trp348Ser)

Gene: MFSD8 (major facilitator superfamily domain containing 8; minus strand). Cytogenetic location: 4q28.2.
Variant type: single nucleotide variant.
Coding change: c.1043G>C on transcript NM_001371596.2 (MANE Select); coding-DNA position 1043, G replaced by C.
Protein change: p.Trp348Ser; replaces tryptophan 348 with serine.
Molecular consequence: missense variant.
Genome position (GRCh38, 1-based): chr4:127,921,919, C>G on the plus strand (G>C on the coding strand, the complement: MFSD8 is on the minus strand). VCF-style: chr4-127921919-C-G. GRCh37 (hg19) VCF-style: chr4-128843074-C-G.
Other names: p.W348S:TGG>TCG; c.728G>C, p.Trp243Ser (NM_001363521.3); c.908G>C, p.Trp303Ser (NM_001371590.2); c.1043G>C, p.Trp348Ser (NM_001371591.2, NM_152778.4); c.842G>C, p.Trp281Ser (NM_001363520.3); c.896G>C, p.Trp299Ser (NM_001371594.2); c.761G>C, p.Trp254Ser (NM_001371595.1); c.593G>C, p.Trp198Ser (NM_001410765.1); and 2 more; short protein forms W348S, W243S, W281S, W254S, W299S, W303S, W310S, W350S.
Identifiers: ClinVar variation 206160 (VCV000206160.6), dbSNP rs796052746, ClinGen allele CA315982.